The following is an entry in ClinVar:

NM_001036.6(RYR3):c.2945T>C (p.Leu982Ser)

Gene: RYR3 (ryanodine receptor 3; plus strand). Cytogenetic location: 15q14.
Variant type: single nucleotide variant.
Coding change: c.2945T>C on transcript NM_001036.6 (MANE Select); coding-DNA position 2945, T replaced by C.
Protein change: p.Leu982Ser; replaces leucine 982 with serine.
Molecular consequence: missense variant.
Genome position (GRCh38, 1-based): chr15:33,633,026, T>C. VCF-style: chr15-33633026-T-C. GRCh37 (hg19) VCF-style: chr15-33925227-T-C.
Other names: c.2945T>C, p.Leu982Ser (NM_001243996.4); short protein forms L982S.
Identifiers: ClinVar variation 2645139 (VCV002645139.24), dbSNP rs760714101, ClinGen allele CA7458583.
Genomic context (GRCh38, chr15:33,633,026, plus strand): 5'-GCTATAAGCCAGCCCCTTTGGATTTGTCTGATGTGAAGCTGTTACCTCCTCAAGAAATTT[T>C]AGTGGATAAGCTTGCAGAAAATGCACACAATGTTTGGGCAAAAGACAGAATAAAACAAGG-3'
Protein context (NP_001027.3, residues 972-992): DVKLLPPQEI[Leu982Ser]VDKLAENAHN

ClinVar aggregate classification (germline): Uncertain significance (1 of 4 stars; one submission).

Allele frequency attached by ClinVar (database versions not stated): TOPMed 0.00001; ExAC 0.00002; gnomAD 0.00002; gnomAD exomes 0.00002.
gnomAD v4.1: 34 of 1,613,916 alleles (0.0021%); highest among the groups gnomAD compares: Non-Finnish European, 0.0027%; no homozygotes.

Submission:

CeGaT Center for Human Genetics Tuebingen
Classification: Uncertain significance. Last evaluated: 2023-05-01. Review status: criteria provided, single submitter. Criteria: CeGaT Center For Human Genetics Tuebingen Variant Classification Criteria Version 2. Collection method: clinical testing. Allele origin: germline. Affected: yes. Observed: 1 variant allele.
Comment: RYR3: PM2, PP3